The following is an entry in ClinVar:

NM_000048.4(ASL):c.111_133del (p.Asp38fs)

Gene: ASL (argininosuccinate lyase; plus strand). Cytogenetic location: 7q11.21.
Variant type: Deletion.
Coding change: c.111_133del on transcript NM_000048.4 (MANE Select); coding-DNA positions 111 to 133, 23 bases deleted (GGATGTTCAAGGCAGCAAAGCCT).
Protein change: p.Asp38fs; shifts the reading frame from aspartic acid 38.
Molecular consequence: frameshift variant.
Genome position (GRCh38, 1-based): chr7:66,081,901-66,081,923, GGATGTTCAAGGCAGCAAAGCCT deleted; deleting any 23 consecutive bases within chr7:66,081,900-66,081,923 gives the same sequence; the c. name uses the placement nearest the transcript's 3' end. VCF-style (leftmost placement, unchanged base first): chr7-66081899-GTGGATGTTCAAGGCAGCAAAGCC-G. GRCh37 (hg19) VCF-style: chr7-65546886-GTGGATGTTCAAGGCAGCAAAGCC-G.
Other names: c.111_133del, p.Asp38fs (NM_001024943.2, NM_001024944.2, NM_001024946.2); short protein forms D38fs.
Identifiers: ClinVar variation 555199 (VCV000555199.6), dbSNP rs1554326267, ClinGen allele CA658821785.

ClinVar aggregate classification (germline): Pathogenic/Likely pathogenic. Review status: criteria provided, multiple submitters, no conflicts (2 of 4 stars). 3 submissions from 3 submitters: Pathogenic (1); Likely pathogenic (1). 1 of the submissions does not count toward it. Last evaluated 2023-10-19.

Conditions:
Argininosuccinate lyase deficiency. Also called: ARGININOSUCCINIC ACID LYASE DEFICIENCY; ASL DEFICIENCY; Argininosuccinic aciduria. Identifiers: Orphanet 23, MedGen C0268547, MONDO:0008815, OMIM 207900, HP:0025630.

Submissions (3):

Baylor Genetics
Classification: Likely pathogenic for Argininosuccinate lyase deficiency. Last evaluated: 2023-10-19. Review status: criteria provided, single submitter. Criteria: ACMG Guidelines, 2015. Collection method: clinical testing. Allele origin: unknown.

Labcorp Genetics (formerly Invitae), Labcorp
Classification: Pathogenic for Argininosuccinate lyase deficiency. Last evaluated: 2023-07-16. Review status: criteria provided, single submitter. Criteria: Invitae Variant Classification Sherloc (09022015). Collection method: clinical testing. Allele origin: germline.
Comment: This variant has not been reported in the literature in individuals affected with ASL-related conditions. This variant is not present in population databases (gnomAD no frequency). This sequence change creates a premature translational stop signal (p.Asp38Glnfs*27) in the ASL gene. It is expected to result in an absent or disrupted protein product. Loss-of-function variants in ASL are known to be pathogenic (PMID: 2263616, 24166829). ClinVar contains an entry for this variant (Variation ID: 555199). For these reasons, this variant has been classified as Pathogenic.

Counsyl
Classification: Likely pathogenic for Argininosuccinate lyase deficiency. Last evaluated: 2017-11-29. Review status: no assertion criteria provided. Collection method: clinical testing. Allele origin: unknown. Not counted in ClinVar's aggregate classification.

Literature cited by the submitters: PubMed 2263616 (cited by Labcorp Genetics (formerly Invitae), Labcorp); PubMed 24166829 (cited by Labcorp Genetics (formerly Invitae), Labcorp).